The following is an entry in ClinVar:

ClinVar aggregate classification (germline): Pathogenic. Review status: criteria provided, multiple submitters, no conflicts (2 of 4 stars). 3 submissions from 3 submitters: Pathogenic (3). Last evaluated 2025-03-26.

Conditions:
Epidermolysis bullosa dystrophica. Also called: Dystrophic epidermolysis bullosa, Hallopeau-Siemens type (formerly); Dystrophic epidermolysis bullosa. Identifiers: Orphanet 303, MedGen C0079294, MONDO:0006543.
Recessive dystrophic epidermolysis bullosa (RDEB). Also called: severe generalized recessive dystrophic epidermolysis bullosa; EPIDERMOLYSIS BULLOSA DYSTROPHICA, GENERALIZED SEVERE, AUTOSOMAL RECESSIVE; Epidermolysis Bullosa Distrophica Autosomal Recessive (RDEB); DYSTROPHIC EPIDERMOLYSIS BULLOSA, AUTOSOMAL RECESSIVE; EPIDERMOLYSIS BULLOSA DYSTROPHICA, HALLOPEAU-SIEMENS TYPE; epidermolysis bullosa dystrophica, autosomal recessive. Identifiers: Orphanet 79408, Orphanet 79409, MedGen C0079474, MONDO:0009179, OMIM 226600.

Allele frequency attached by ClinVar (database versions not stated): gnomAD exomes below 0.00001.
gnomAD v4.1: 2 of 1,614,154 alleles (0.00012%); highest among the groups gnomAD compares: East Asian, 0.0022%; no homozygotes.

Submissions (3):

Myriad Genetics, Inc.
Classification: Pathogenic for Recessive dystrophic epidermolysis bullosa. Last evaluated: 2025-03-26. Review status: criteria provided, single submitter. Criteria: Myriad Autosomal Dominant, Autosomal Recessive and X-Linked Classification Criteria (2023). Collection method: clinical testing. Allele origin: unknown.
Comment: NM_000094.3(COL7A1):c.1423C>T(Q475*) is expected to be pathogenic in the context of dystrophic epidermolysis bullosa. This variant is predicted to lead to an abnormal or absent protein product due to the creation of a premature termination codon in COL7A1, a gene where loss-of-function variants are known to be pathogenic. Please note: this variant was assessed in the context of healthy population screening.

Labcorp Genetics (formerly Invitae), Labcorp
Classification: Pathogenic. Last evaluated: 2021-07-03. Review status: criteria provided, single submitter. Criteria: Invitae Variant Classification Sherloc (09022015). Collection method: clinical testing. Allele origin: germline.
Comment: For these reasons, this variant has been classified as Pathogenic. ClinVar contains an entry for this variant (Variation ID: 1047973). This variant has not been reported in the literature in individuals affected with COL7A1-related conditions. This variant is not present in population databases (ExAC no frequency). This sequence change creates a premature translational stop signal (p.Gln475*) in the COL7A1 gene. It is expected to result in an absent or disrupted protein product. Loss-of-function variants in COL7A1 are known to be pathogenic (PMID: 16971478).

Biomedical Innovation Departament, CIEMAT
Classification: Pathogenic for Dystrophic epidermolysis bullosa. Last evaluated: 2018-03-26. Review status: criteria provided, single submitter. Criteria: ACMG Guidelines, 2015. Collection method: research. Allele origin: germline. Affected: yes. Observed: 1 variant allele.

Literature cited by the submitters: PubMed 16971478 (cited by Labcorp Genetics (formerly Invitae), Labcorp).

NM_000094.4(COL7A1):c.1423C>T (p.Gln475Ter)

Gene: COL7A1 (collagen type VII alpha 1 chain; minus strand). Cytogenetic location: 3p21.31.
Variant type: single nucleotide variant.
Coding change: c.1423C>T on transcript NM_000094.4 (MANE Select); coding-DNA position 1423, C replaced by T.
Protein change: p.Gln475Ter; replaces glutamine 475 with a stop codon.
Molecular consequence: nonsense.
Genome position (GRCh38, 1-based): chr3:48,591,757, G>A on the plus strand (C>T on the coding strand, the complement: COL7A1 is on the minus strand). VCF-style: chr3-48591757-G-A. GRCh37 (hg19) VCF-style: chr3-48629190-G-A.
Other names: short protein forms Q475*.
Identifiers: ClinVar variation 1047973 (VCV001047973.7), dbSNP rs1482450152, ClinGen allele CA352734600.